The following is an entry in ClinVar:

ClinVar aggregate classification (germline): Uncertain significance. Review status: criteria provided, multiple submitters, no conflicts (2 of 4 stars). 2 submissions from 2 submitters: Uncertain significance (2). Last evaluated 2022-04-29.

Conditions:
Neuronal ceroid lipofuscinosis. Also called: Neuronal Ceroid Lipofuscinoses. Identifiers: Orphanet 216, Orphanet 79263, MedGen C0027877, MONDO:0016295. Disease mechanism: loss of function.

Allele frequency attached by ClinVar (database versions not stated): gnomAD exomes below 0.00001; gnomAD 0.00001; TOPMed 0.00002; ESP Exome Variant Server 0.00008.

Submissions (2):

Labcorp Genetics (formerly Invitae), Labcorp
Classification: Uncertain significance for Neuronal ceroid lipofuscinosis. Last evaluated: 2022-04-29. Review status: criteria provided, single submitter. Criteria: Invitae Variant Classification Sherloc (09022015). Collection method: clinical testing. Allele origin: germline.
Comment: This sequence change replaces asparagine, which is neutral and polar, with histidine, which is basic and polar, at codon 262 of the CLN5 protein (p.Asn262His). This variant is present in population databases (rs140122775, gnomAD 0.007%). This variant has not been reported in the literature in individuals affected with CLN5-related conditions. ClinVar contains an entry for this variant (Variation ID: 1209118). Algorithms developed to predict the effect of missense changes on protein structure and function are either unavailable or do not agree on the potential impact of this missense change (SIFT: "Deleterious"; PolyPhen-2: "Possibly Damaging"; Align-GVGD: "Class C0"). In summary, the available evidence is currently insufficient to determine the role of this variant in disease. Therefore, it has been classified as a Variant of Uncertain Significance.

GeneDx
Classification: Uncertain significance. Last evaluated: 2019-05-16. Review status: criteria provided, single submitter. Criteria: GeneDx Variant Classification Process June 2021. Collection method: clinical testing. Allele origin: germline. Affected: yes.
Comment: Not observed at a significant frequency in large population cohorts (Lek et al., 2016); In silico analysis, which includes protein predictors and evolutionary conservation, supports that this variant does not alter protein structure/function; Has not been previously published as pathogenic or benign to our knowledge

NM_006493.4(CLN5):c.637A>C (p.Asn213His)

Gene: CLN5 (CLN5 lysosomal BMP synthase; plus strand). Cytogenetic location: 13q22.3.
Variant type: single nucleotide variant.
Coding change: c.637A>C on transcript NM_006493.4 (MANE Select); coding-DNA position 637, A replaced by C.
Protein change: p.Asn213His; replaces asparagine 213 with histidine.
Molecular consequence: missense variant. On other transcripts: 3 prime UTR variant (1).
Genome position (GRCh38, 1-based): chr13:77,000,529, A>C. VCF-style: chr13-77000529-A-C. GRCh37 (hg19) VCF-style: chr13-77574664-A-C.
Other names: c.*86A>C (NM_001366624.2); short protein forms N213H.
Identifiers: ClinVar variation 1209118 (VCV001209118.5), dbSNP rs140122775, ClinGen allele CA252177566.